The following is an entry in ClinVar:

ClinVar aggregate classification (germline): Uncertain significance. Review status: criteria provided, multiple submitters, no conflicts (2 of 4 stars). 2 submissions from 2 submitters: Uncertain significance (2). Last evaluated 2025-12-08.

Conditions:
Cardiomyopathy (CMYO). Also called: Cardiomyopathies. Identifiers: Orphanet 167848, MedGen C0878544, MONDO:0004994, HP:0001638. Inheritance: Various modes of inheritance.

Submissions (2):

Color Diagnostics, LLC DBA Color Health
Classification: Uncertain significance for Cardiomyopathy. Last evaluated: 2025-12-08. Review status: criteria provided, single submitter. Criteria: ACMG Guidelines, 2015. Collection method: clinical testing. Allele origin: germline.
Comment: This variant deletes 2 nucleotides in exon 37 of the MYH7 gene, creating a frameshift and premature translation stop signal. This variant is expected to result in an absent or non-functional protein product. To our knowledge, this variant has not been reported in individuals affected with MYH7-related disorders in the literature. This variant has been identified in 6/1613694 chromosomes in the general population by the Genome Aggregation Database (gnomAD). The available evidence is insufficient to determine the role of this variant in disease conclusively. Therefore, this variant is classified as a Variant of Uncertain Significance.

All of Us Research Program, National Institutes of Health
Classification: Uncertain significance for Cardiomyopathy. Last evaluated: 2024-05-30. Review status: criteria provided, single submitter. Criteria: ACMG Guidelines, 2015. Collection method: clinical testing. Allele origin: germline. Inheritance: Autosomal dominant inheritance. Observed: 2 variant alleles, 2 heterozygotes.
Comment: This variant deletes 2 nucleotides in exon 37 of the MYH7 gene, creating a frameshift and premature translation stop signal. This variant is expected to result in an absent or non-functional protein product. To our knowledge, this variant has not been reported in individuals affected with MYH7-related disorders in the literature. This variant has been identified in 1/251302 chromosomes in the general population by the Genome Aggregation Database (gnomAD). Clinical relevance of loss-of-function MYH7 truncation variants in autosomal dominant cardiovascular disorders is not clearly established. The available evidence is insufficient to determine the role of this variant in disease conclusively. Therefore, this variant is classified as a Variant of Uncertain Significance.

This study involves interpretation of variants in research participants for the purpose of population health screening. Participant phenotype was not available at the time of variant classification. Additional details can be found in publication PMID: 35346344, PMCID: PMC8962531

NM_000257.4(MYH7):c.5470_5471del (p.Glu1823_Asn1824insTer)

Gene: MYH7 (myosin heavy chain 7; minus strand). Cytogenetic location: 14q11.2.
Variant type: Deletion.
Coding change: c.5470_5471del on transcript NM_000257.4 (MANE Select); coding-DNA positions 5470 to 5471, 2 bases deleted (AA; older notation c.5470_5471delAA).
Protein change: p.Glu1823_Asn1824insTer.
Molecular consequence: nonsense.
Genome position (GRCh38, 1-based): chr14:23,415,083-23,415,084, TT deleted on the plus strand (AA on the coding strand, the reverse complement: MYH7 is on the minus strand). VCF-style (leftmost placement, unchanged base first): chr14-23415082-ATT-A. GRCh37 (hg19) VCF-style: chr14-23884291-ATT-A.
Other names: c.5470_5471del, p.Glu1823_Asn1824insTer (NM_001407004.1).
Identifiers: ClinVar variation 3387278 (VCV003387278.2).
Genomic context (GRCh38, chr14:23,415,082, plus strand): 5'-CTCGCTCTTCCTCATGCCCTTCACCGACTCTGCGTTGCGCTTCTGCTCGGCCTCCAGCTC[ATT>A]CTCCAGCTCCCGCACCCGCGCTTCCAGCTTCTGCAGCTGCTTCTTGCCGCCCTTGAGGGC-3'